The following is an entry in ClinVar:

ClinVar aggregate classification (germline): Uncertain significance. Review status: criteria provided, single submitter (1 of 4 stars). 3 submissions from 3 submitters: Uncertain significance (1). 2 of the submissions do not count toward it. Last evaluated 2021-05-10.

Conditions:
GCDH-related disorder. Also called: GCDH-related condition.
Glutaric aciduria, type 1. Also called: Glutaricaciduria, type I; Glutaric Acidemia Type 1; Glutaric acidemia type I; Glutaryl-CoA dehydrogenase deficiency; GA I; Glutaricacidemia Type 1. Identifiers: Orphanet 25, MedGen C0268595, MONDO:0009281, OMIM 231670.

Allele frequency attached by ClinVar (database versions not stated): gnomAD exomes 0.00004 and 0.00010; ExAC 0.00015; ESP Exome Variant Server 0.00023; 1000 Genomes Project 30x 0.00031; 1000 Genomes Project 0.00040.
gnomAD v4.1: 82 of 1,604,822 alleles (0.0051%); highest among the groups gnomAD compares: African/African-American, 0.092%; no homozygotes.

Submissions (3):

GeneDx
Classification: Uncertain significance. Last evaluated: 2021-05-10. Review status: criteria provided, single submitter. Criteria: GeneDx Variant Classification Process June 2021. Collection method: clinical testing. Allele origin: germline. Affected: yes.
Comment: Nucleotide substitution has no predicted effect on splicing and is not conserved across species; Has not been previously published as pathogenic or benign to our knowledge

PreventionGenetics, part of Exact Sciences
Classification: Likely benign for GCDH-related condition. Last evaluated: 2024-08-18. Review status: no assertion criteria provided. Collection method: clinical testing. Allele origin: germline. Not counted in ClinVar's aggregate classification.
Comment: This variant is classified as likely benign based on ACMG/AMP sequence variant interpretation guidelines (Richards et al. 2015 PMID: 25741868, with internal and published modifications).

Natera, Inc.
Classification: Uncertain significance for Glutaric acidemia type 1. Last evaluated: 2020-01-17. Review status: no assertion criteria provided. Collection method: clinical testing. Allele origin: germline. Not counted in ClinVar's aggregate classification.

NM_000159.4(GCDH):c.-4G>C

Genes: GCDH (glutaryl-CoA dehydrogenase; plus strand), LOC117125594 (CRISPRi-FlowFISH-validated KLF1 regulatory element; plus strand). Cytogenetic location: 19p13.13.
Variant type: single nucleotide variant.
Coding change: c.-4G>C on transcript NM_000159.4 (MANE Select); 4 bases upstream of the start codon, G replaced by C.
Molecular consequence: 5 prime UTR variant. On other transcripts: non-coding transcript variant (2).
Genome position (GRCh38, 1-based): chr19:12,891,301, G>C. VCF-style: chr19-12891301-G-C. GRCh37 (hg19) VCF-style: chr19-13002115-G-C.
Other names: c.-4G>C (NM_013976.5, NM_000159.3).
Identifiers: ClinVar variation 1217541 (VCV001217541.5), dbSNP rs371464666, ClinGen allele CA9234164.